The following is an entry in ClinVar:

ClinVar aggregate classification (germline): Likely benign (1 of 4 stars; one submission).

gnomAD v4.1: 146 of 402,144 alleles (0.036%); highest among the groups gnomAD compares: South Asian, 0.74%; 1 homozygote.

Submission:

CeGaT Center for Human Genetics Tuebingen
Classification: Likely benign. Last evaluated: 2025-09-01. Review status: criteria provided, single submitter. Criteria: CeGaT Center For Human Genetics Tuebingen Variant Classification Criteria Version 2. Collection method: clinical testing. Allele origin: germline. Affected: yes. Observed: 1 variant allele.
Comment: SCYGR7: BP4, BP7

NM_001395408.1(SCYGR7):c.57C>T (p.Cys19=)

Gene: SCYGR7 (small cysteine and glycine repeat containing 7; plus strand). Cytogenetic location: 2q36.3.
Variant type: single nucleotide variant.
Coding change: c.57C>T on transcript NM_001395408.1 (MANE Select); coding-DNA position 57, C replaced by T.
Protein change: p.Cys19=; no amino-acid change (cysteine 19 retained).
Molecular consequence: synonymous variant.
Genome position (GRCh38, 1-based): chr2:227,728,391, C>T. VCF-style: chr2-227728391-C-T. GRCh37 (hg19) VCF-style: chr2-228593107-C-T.
Identifiers: ClinVar variation 4533575 (VCV004533575.6).